The following is an entry in ClinVar:

NM_001286.5(CLCN6):c.194T>C (p.Leu65Ser)

Gene: CLCN6 (chloride voltage-gated channel 6; plus strand). Cytogenetic location: 1p36.22.
Variant type: single nucleotide variant.
Coding change: c.194T>C on transcript NM_001286.5 (MANE Select); coding-DNA position 194, T replaced by C.
Protein change: p.Leu65Ser; replaces leucine 65 with serine.
Molecular consequence: missense variant. On other transcripts: non-coding transcript variant (1), intron variant (1).
Genome position (GRCh38, 1-based): chr1:11,815,892, T>C. VCF-style: chr1-11815892-T-C. GRCh37 (hg19) VCF-style: chr1-11875949-T-C.
Other names: c.194T>C (NM_001286.2); c.148-723T>C (NM_001256959.2); short protein forms L65S.
Identifiers: ClinVar variation 1506195 (VCV001506195.9), dbSNP rs1328054384, ClinGen allele CA338425518.

ClinVar aggregate classification (germline): Uncertain significance. Review status: criteria provided, multiple submitters, no conflicts (2 of 4 stars). 2 submissions from 2 submitters: Uncertain significance (2). Last evaluated 2025-10-02.

Allele frequency attached by ClinVar (database versions not stated): gnomAD exomes 0.00002 and 0.00004; TOPMed 0.00005; gnomAD 0.00009.

Submissions (2):

Labcorp Genetics (formerly Invitae), Labcorp
Classification: Uncertain significance. Last evaluated: 2025-10-02. Review status: criteria provided, single submitter. Criteria: Invitae Variant Classification Sherloc (09022015). Collection method: clinical testing. Allele origin: germline.
Comment: This sequence change replaces leucine, which is neutral and non-polar, with serine, which is neutral and polar, at codon 65 of the CLCN6 protein (p.Leu65Ser). This variant is present in population databases (no rsID available, gnomAD 0.02%). This variant has not been reported in the literature in individuals affected with CLCN6-related conditions. ClinVar contains an entry for this variant (Variation ID: 1506195). An algorithm developed to predict the effect of missense changes on protein structure and function (PolyPhen-2) suggests that this variant is likely to be disruptive. In summary, the available evidence is currently insufficient to determine the role of this variant in disease. Therefore, it has been classified as a Variant of Uncertain Significance.

Ambry Genetics
Classification: Uncertain significance. Last evaluated: 2025-08-27. Review status: criteria provided, single submitter. Criteria: Ambry Variant Classification Scheme 2023. Collection method: clinical testing. Allele origin: germline.